The following is an entry in ClinVar:

NM_001347721.2(DYRK1A):c.87G>C (p.Gln29His)

Gene: DYRK1A (dual specificity tyrosine phosphorylation regulated kinase 1A; plus strand). Cytogenetic location: 21q22.13.
Variant type: single nucleotide variant.
Coding change: c.87G>C on transcript NM_001347721.2 (MANE Select); coding-DNA position 87, G replaced by C.
Protein change: p.Gln29His; replaces glutamine 29 with histidine.
Molecular consequence: missense variant. On other transcripts: 5 prime UTR variant (1).
Genome position (GRCh38, 1-based): chr21:37,472,760, G>C. VCF-style: chr21-37472760-G-C. GRCh37 (hg19) VCF-style: chr21-38845062-G-C.
Other names: c.87G>C, p.Gln29His (NM_001347722.2, NM_001396.5, NM_101395.2 and 2 more transcripts); c.-1G>C (NM_001347723.2); short protein forms Q29H.
Identifiers: ClinVar variation 1493584 (VCV001493584.8), dbSNP rs1010198969, ClinGen allele CA409942390.

ClinVar aggregate classification (germline): Uncertain significance (1 of 4 stars; one submission).

Conditions:
DYRK1A-related intellectual disability syndrome (MRD7). Also called: DYRK1A Syndrome; Intellectual developmental disorder, autosomal dominant 7. Identifiers: Orphanet 464306, MedGen C5568143, MONDO:0013578, OMIM 614104.

Submission:

Labcorp Genetics (formerly Invitae), Labcorp
Classification: Uncertain significance for DYRK1A-related intellectual disability syndrome. Last evaluated: 2022-09-19. Review status: criteria provided, single submitter. Criteria: Invitae Variant Classification Sherloc (09022015). Collection method: clinical testing. Allele origin: germline.
Comment: In summary, the available evidence is currently insufficient to determine the role of this variant in disease. Therefore, it has been classified as a Variant of Uncertain Significance. Advanced modeling of protein sequence and biophysical properties (such as structural, functional, and spatial information, amino acid conservation, physicochemical variation, residue mobility, and thermodynamic stability) performed at Invitae indicates that this missense variant is not expected to disrupt DYRK1A protein function. ClinVar contains an entry for this variant (Variation ID: 1493584). This variant has not been reported in the literature in individuals affected with DYRK1A-related conditions. This variant is not present in population databases (gnomAD no frequency). This sequence change replaces glutamine, which is neutral and polar, with histidine, which is basic and polar, at codon 29 of the DYRK1A protein (p.Gln29His).